The following is an entry in ClinVar:

ClinVar aggregate classification (germline): Uncertain significance. Review status: criteria provided, multiple submitters, no conflicts (2 of 4 stars). 2 submissions from 2 submitters: Uncertain significance (2). Last evaluated 2025-07-18.

Conditions:
Inborn genetic diseases. Identifiers: MedGen C0950123, MeSH D030342.

Allele frequency attached by ClinVar (database versions not stated): gnomAD exomes below 0.00001.
gnomAD v4.1: 2 of 1,604,592 alleles (0.00012%); highest among the groups gnomAD compares: East Asian, 0.0045%; no homozygotes.

Submissions (2):

Ambry Genetics
Classification: Uncertain significance for Inborn genetic diseases. Last evaluated: 2025-07-18. Review status: criteria provided, single submitter. Criteria: Ambry Variant Classification Scheme 2023. Collection method: clinical testing. Allele origin: germline.
Comment: The p.L917M variant (also known as c.2749T>A), located in coding exon 24 of the ANKRD26 gene, results from a T to A substitution at nucleotide position 2749. The leucine at codon 917 is replaced by methionine, an amino acid with highly similar properties. This amino acid position is conserved. In addition, this alteration is predicted to be tolerated by in silico analysis. Based on the available evidence, the clinical significance of this variant remains unclear.

Labcorp Genetics (formerly Invitae), Labcorp
Classification: Uncertain significance. Last evaluated: 2022-12-12. Review status: criteria provided, single submitter. Criteria: Invitae Variant Classification Sherloc (09022015). Collection method: clinical testing. Allele origin: germline.
Comment: In summary, the available evidence is currently insufficient to determine the role of this variant in disease. Therefore, it has been classified as a Variant of Uncertain Significance. Algorithms developed to predict the effect of missense changes on protein structure and function are either unavailable or do not agree on the potential impact of this missense change (SIFT: "Deleterious"; PolyPhen-2: "Probably Damaging"; Align-GVGD: "Class C0"). This variant has not been reported in the literature in individuals affected with ANKRD26-related conditions. This variant is not present in population databases (gnomAD no frequency). This sequence change replaces leucine, which is neutral and non-polar, with methionine, which is neutral and non-polar, at codon 917 of the ANKRD26 protein (p.Leu917Met).

NM_014915.3(ANKRD26):c.2749T>A (p.Leu917Met)

Gene: ANKRD26 (ankyrin repeat domain 26; minus strand). Cytogenetic location: 10p12.1.
Variant type: single nucleotide variant.
Coding change: c.2749T>A on transcript NM_014915.3 (MANE Select); coding-DNA position 2749, T replaced by A.
Protein change: p.Leu917Met; replaces leucine 917 with methionine.
Molecular consequence: missense variant.
Genome position (GRCh38, 1-based): chr10:27,035,701, A>T on the plus strand (T>A on the coding strand, the complement: ANKRD26 is on the minus strand). VCF-style: chr10-27035701-A-T. GRCh37 (hg19) VCF-style: chr10-27324630-A-T.
Other names: c.2746T>A, p.Leu916Met (NM_001256053.2); short protein forms L916M, L917M.
Identifiers: ClinVar variation 2820485 (VCV002820485.4), dbSNP rs2054020511, ClinGen allele CA376365495.